The following is an entry in ClinVar:

NM_000188.3(HK1):c.2259C>T (p.Ile753=)

Gene: HK1 (hexokinase 1; plus strand). Cytogenetic location: 10q22.1.
Variant type: single nucleotide variant.
Coding change: c.2259C>T on transcript NM_000188.3 (MANE Select); coding-DNA position 2259, C replaced by T.
Protein change: p.Ile753=; no amino-acid change (isoleucine 753 retained).
Molecular consequence: synonymous variant.
Genome position (GRCh38, 1-based): chr10:69,394,989, C>T. VCF-style: chr10-69394989-C-T. GRCh37 (hg19) VCF-style: chr10-71154745-C-T.
Other names: c.2271C>T, p.Ile757= (NM_001322364.2, NM_001358263.1, NM_033497.3 and 1 more transcripts); c.2364C>T, p.Ile788= (NM_001322365.2); c.2175C>T, p.Ile725= (NM_001322366.1); c.2163C>T, p.Ile721= (NM_001322367.1); c.2256C>T, p.Ile752= (NM_033496.3); c.2223C>T, p.Ile741= (NM_033500.2); c.2259C>T (NM_000188.2).
Identifiers: ClinVar variation 1919249 (VCV001919249.7), dbSNP rs568976769, ClinGen allele CA5532820.

ClinVar aggregate classification (germline): Likely benign. Review status: criteria provided, multiple submitters, no conflicts (2 of 4 stars). 3 submissions from 3 submitters: Likely benign (3). Last evaluated 2025-07-01.

Conditions:
HK1-related disorder. Also called: HK1-related condition; HK1-related disorders.

Allele frequency attached by ClinVar (database versions not stated): 1000 Genomes Project 30x 0.00016; 1000 Genomes Project 0.00020.
gnomAD v4.1: 11 of 1,614,112 alleles (0.00068%); highest among the groups gnomAD compares: African/African-American, 0.004%; no homozygotes.

Submissions (3):

PreventionGenetics, part of Exact Sciences
Classification: Likely benign for HK1-related condition. Last evaluated: 2025-07-01. Review status: criteria provided, single submitter. Criteria: ACMG Guidelines, 2015. Collection method: clinical testing. Allele origin: germline.
Comment: This variant is classified as likely benign based on ACMG/AMP sequence variant interpretation guidelines (Richards et al. 2015 PMID: 25741868, with internal and published modifications).

Labcorp Genetics (formerly Invitae), Labcorp
Classification: Likely benign. Last evaluated: 2022-06-14. Review status: criteria provided, single submitter. Criteria: Invitae Variant Classification Sherloc (09022015). Collection method: clinical testing. Allele origin: germline.

Blueprint Genetics
Classification: Likely benign. Last evaluated: 2022-03-17. Review status: criteria provided, single submitter. Criteria: ACMG Guidelines, 2015. Collection method: clinical testing. Allele origin: germline.